The following is an entry in ClinVar:

NM_177402.5(SYT2):c.1010T>G (p.Phe337Cys)

Gene: SYT2 (synaptotagmin 2; minus strand). Cytogenetic location: 1q32.1.
Variant type: single nucleotide variant.
Coding change: c.1010T>G on transcript NM_177402.5 (MANE Select); coding-DNA position 1010, T replaced by G.
Protein change: p.Phe337Cys; replaces phenylalanine 337 with cysteine.
Molecular consequence: missense variant.
Genome position (GRCh38, 1-based): chr1:202,599,261, A>C on the plus strand (T>G on the coding strand, the complement: SYT2 is on the minus strand). VCF-style: chr1-202599261-A-C. GRCh37 (hg19) VCF-style: chr1-202568389-A-C.
Other names: c.1010T>G, p.Phe337Cys (NM_001136504.1); short protein forms F337C.
Identifiers: ClinVar variation 1431945 (VCV001431945.6), dbSNP rs2149066038, ClinGen allele CA344256498.
Genomic context (GRCh38, chr1:202,599,261, plus strand): 5'-ACCCAGGGCTCCAGCACCTGAATCTGCTCGAAGGGGATCTCAAAGCTGAAGGACTCGTTG[A>C]AGTATGGGTTCAGGGTCTTCTTCTTCACGGTTGTCTTCTTCTTCTTGAGCCTCTTGCCAT-3'
Protein context (NP_796376.2, residues 327-347): TVKKKTLNPY[Phe337Cys]NESFSFEIPF

ClinVar aggregate classification (germline): Uncertain significance (1 of 4 stars; one submission).

Submission:

Labcorp Genetics (formerly Invitae), Labcorp
Classification: Uncertain significance. Last evaluated: 2022-01-05. Review status: criteria provided, single submitter. Criteria: Invitae Variant Classification Sherloc (09022015). Collection method: clinical testing. Allele origin: germline.
Comment: This variant has not been reported in the literature in individuals affected with SYT2-related conditions. Algorithms developed to predict the effect of missense changes on protein structure and function (SIFT, PolyPhen-2, Align-GVGD) all suggest that this variant is likely to be disruptive. In summary, the available evidence is currently insufficient to determine the role of this variant in disease. Therefore, it has been classified as a Variant of Uncertain Significance. This variant is not present in population databases (gnomAD no frequency). This sequence change replaces phenylalanine, which is neutral and non-polar, with cysteine, which is neutral and slightly polar, at codon 337 of the SYT2 protein (p.Phe337Cys).